The following is an entry in ClinVar:

ClinVar aggregate classification (germline): Uncertain significance (1 of 4 stars; one submission).

Conditions:
Epileptic encephalopathy. Identifiers: MedGen C0543888, HP:0200134.

gnomAD v4.1: 10 of 1,612,664 alleles (0.00062%); highest among the groups gnomAD compares: East Asian, 0.0022%; no homozygotes.

Submission:

Labcorp Genetics (formerly Invitae), Labcorp
Classification: Uncertain significance for Epileptic encephalopathy. Last evaluated: 2025-12-26. Review status: criteria provided, single submitter. Criteria: Invitae Variant Classification Sherloc (09022015). Collection method: clinical testing. Allele origin: germline.
Comment: This sequence change replaces proline, which is neutral and non-polar, with serine, which is neutral and polar, at codon 964 of the FASN protein (p.Pro964Ser). This variant is not present in population databases (gnomAD no frequency). This variant has not been reported in the literature in individuals affected with FASN-related conditions. An algorithm developed to predict the effect of missense changes on protein structure and function (PolyPhen-2) suggests that this variant is likely to be tolerated. In summary, the available evidence is currently insufficient to determine the role of this variant in disease. Therefore, it has been classified as a Variant of Uncertain Significance.

NM_004104.5(FASN):c.2890C>T (p.Pro964Ser)

Gene: FASN (fatty acid synthase; minus strand). Cytogenetic location: 17q25.3.
Variant type: single nucleotide variant.
Coding change: c.2890C>T on transcript NM_004104.5 (MANE Select); coding-DNA position 2890, C replaced by T.
Protein change: p.Pro964Ser; replaces proline 964 with serine.
Molecular consequence: missense variant.
Genome position (GRCh38, 1-based): chr17:82,087,838, G>A on the plus strand (C>T on the coding strand, the complement: FASN is on the minus strand). VCF-style: chr17-82087838-G-A. GRCh37 (hg19) VCF-style: chr17-80045714-G-A.
Other names: short protein forms P964S.
Identifiers: ClinVar variation 4809053 (VCV004809053.1).